The following is an entry in ClinVar:

ClinVar aggregate classification (germline): Pathogenic/Likely pathogenic. Review status: criteria provided, multiple submitters, no conflicts (2 of 4 stars). 6 submissions from 6 submitters: Pathogenic (5); Likely pathogenic (1). Last evaluated 2024-07-23.

Conditions:
Wilson disease (WND). Also called: Wilson's disease. Identifiers: Orphanet 905, MedGen C0019202, MONDO:0010200, OMIM 277900. Disease mechanism: loss of function.

Allele frequency attached by ClinVar (database versions not stated): gnomAD exomes below 0.00001.
gnomAD v4.1: 1 of 1,614,168 alleles (0.000062%); highest among the groups gnomAD compares: Non-Finnish European, 0.000085%; no homozygotes.

Submissions (6):

Labcorp Genetics (formerly Invitae), Labcorp
Classification: Pathogenic for Wilson disease. Last evaluated: 2024-07-23. Review status: criteria provided, single submitter. Criteria: Invitae Variant Classification Sherloc (09022015). Collection method: clinical testing. Allele origin: germline.
Comment: This sequence change creates a premature translational stop signal (p.Cys305*) in the ATP7B gene. It is expected to result in an absent or disrupted protein product. Loss-of-function variants in ATP7B are known to be pathogenic (PMID: 10441329, 16283883). This variant is not present in population databases (gnomAD no frequency). This premature translational stop signal has been observed in individual(s) with Wilson disease (PMID: 9671269). ClinVar contains an entry for this variant (Variation ID: 92391). For these reasons, this variant has been classified as Pathogenic.

Fulgent Genetics
Classification: Likely pathogenic for Wilson disease. Last evaluated: 2024-02-21. Review status: criteria provided, single submitter. Criteria: ACMG Guidelines, 2015. Collection method: clinical testing. Allele origin: germline.

Baylor Genetics
Classification: Pathogenic for Wilson disease. Last evaluated: 2022-05-16. Review status: criteria provided, single submitter. Criteria: ACMG Guidelines, 2015. Collection method: clinical testing. Allele origin: unknown.

Genome-Nilou Lab
Classification: Pathogenic for Wilson disease. Last evaluated: 2021-08-10. Review status: criteria provided, single submitter. Criteria: ACMG Guidelines, 2015. Collection method: clinical testing. Allele origin: germline. Affected: no.

Women's Health and Genetics/Laboratory Corporation of America, LabCorp
Classification: Pathogenic for Wilson disease. Last evaluated: 2020-06-12. Review status: criteria provided, single submitter. Criteria: LabCorp Variant Classification Summary - May 2015. Collection method: clinical testing. Allele origin: germline.
Comment: Variant summary: ATP7B c.915T>A (p.Cys305X) results in a premature termination codon, predicted to cause a truncation of the encoded protein or absence of the protein due to nonsense mediated decay, which are commonly known mechanisms for disease. Truncations downstream of this position have been classified as pathogenic by our laboratory. The variant allele was found at a frequency of 4e-06 in 249140 control chromosomes. c.915T>A has been reported in the literature in at-least one Italian individual affected with Wilson Disease and has been subsequently cited by others (example, Loudianos_1998, Li_2013, Stalke_2019, Singh_2019). At least one publication reports experimental evidence evaluating an impact on protein function. The most pronounced variant effect results in absence of protein expression and a significantly reduced copper transport activity in vitro (Stalke_2019). No clinical diagnostic laboratories have submitted clinical-significance assessments for this variant to ClinVar after 2014, although one clinical diagnostic laboratory before 2014 has submitted a clinical significance assessment for this variant as Pathogenic. Based on the evidence outlined above, the variant was classified as pathogenic.

Eurofins Ntd Llc (ga)
Classification: Pathogenic. Last evaluated: 2012-09-07. Review status: criteria provided, single submitter. Criteria: EGL Classification Definitions. Collection method: clinical testing. Allele origin: germline. Observed: 2 variant alleles, 2 heterozygotes.

Literature cited by the submitters: PubMed 10441329 (cited by Labcorp Genetics (formerly Invitae), Labcorp); PubMed 16283883 (cited by Labcorp Genetics (formerly Invitae), Labcorp); PubMed 9671269 (cited by Labcorp Genetics (formerly Invitae), Labcorp and Women's Health and Genetics/Laboratory Corporation of America, LabCorp); PubMed 23235335 (cited by Women's Health and Genetics/Laboratory Corporation of America, LabCorp); PubMed 30723317 (cited by Women's Health and Genetics/Laboratory Corporation of America, LabCorp); PubMed 31059521 (cited by Women's Health and Genetics/Laboratory Corporation of America, LabCorp).

NM_000053.4(ATP7B):c.915T>A (p.Cys305Ter)

Gene: ATP7B (ATPase copper transporting beta; minus strand). Cytogenetic location: 13q14.3.
Variant type: single nucleotide variant.
Coding change: c.915T>A on transcript NM_000053.4 (MANE Select); coding-DNA position 915, T replaced by A.
Protein change: p.Cys305Ter; replaces cysteine 305 with a stop codon.
Molecular consequence: nonsense. On other transcripts: intron variant (1).
Genome position (GRCh38, 1-based): chr13:51,974,305, A>T on the plus strand (T>A on the coding strand, the complement: ATP7B is on the minus strand). VCF-style: chr13-51974305-A-T. GRCh37 (hg19) VCF-style: chr13-52548441-A-T.
Other names: c.915T>A, p.Cys305Ter (NM_001005918.3, NM_001330578.2, NM_001330579.2); c.802+113T>A (NM_001243182.2); short protein forms C305*.
Identifiers: ClinVar variation 92391 (VCV000092391.18), dbSNP rs398123137, ClinGen allele CA220313.